The following is an entry in ClinVar:

ClinVar aggregate classification (germline): Likely benign. Review status: criteria provided, multiple submitters, no conflicts (2 of 4 stars). 3 submissions from 3 submitters: Likely benign (2). 1 of the submissions does not count toward it. Last evaluated 2026-02-03.

Conditions:
Hereditary cancer-predisposing syndrome. Also called: Tumor predisposition; Hereditary neoplastic syndrome; Hereditary Cancer Syndrome; Neoplastic Syndromes, Hereditary. Identifiers: Orphanet 140162, MedGen C0027672, MeSH D009386, MONDO:0015356.
PTCH1-related disorder. Also called: PTCH1-related disorders; PTCH1-related condition.
Gorlin syndrome. Also called: Nevoid Basal Cell Carcinoma Syndrome; Basal cell nevus syndrome. Identifiers: Orphanet 377, MedGen C0004779, MONDO:0007187.

Allele frequency attached by ClinVar (database versions not stated): ExAC 0.00002; gnomAD exomes 0.00002 and 0.00005; gnomAD 0.00003 and 0.00004; TOPMed 0.00003; 1000 Genomes Project 30x 0.00016; 1000 Genomes Project 0.00020.
gnomAD v4.1: 81 of 1,614,116 alleles (0.005%); highest among the groups gnomAD compares: African/African-American, 0.0093%; no homozygotes.

Submissions (3):

Labcorp Genetics (formerly Invitae), Labcorp
Classification: Likely benign for Gorlin syndrome. Last evaluated: 2026-02-03. Review status: criteria provided, single submitter. Criteria: Invitae Variant Classification Sherloc (09022015). Collection method: clinical testing. Allele origin: germline.

Ambry Genetics
Classification: Likely benign for Hereditary cancer-predisposing syndrome. Last evaluated: 2018-06-29. Review status: criteria provided, single submitter. Criteria: Ambry Variant Classification Scheme 2023. Collection method: clinical testing. Allele origin: germline.

PreventionGenetics, part of Exact Sciences
Classification: Likely benign for PTCH1-related condition. Last evaluated: 2019-03-13. Review status: no assertion criteria provided. Collection method: clinical testing. Allele origin: germline. Not counted in ClinVar's aggregate classification.
Comment: This variant is classified as likely benign based on ACMG/AMP sequence variant interpretation guidelines (Richards et al. 2015 PMID: 25741868, with internal and published modifications).

NM_000264.5(PTCH1):c.2850C>T (p.His950=)

Gene: PTCH1 (patched 1; minus strand). Cytogenetic location: 9q22.32.
Variant type: single nucleotide variant.
Coding change: c.2850C>T on transcript NM_000264.5 (MANE Select); coding-DNA position 2850, C replaced by T.
Protein change: p.His950=; no amino-acid change (histidine 950 retained).
Molecular consequence: synonymous variant. On other transcripts: non-coding transcript variant (1).
Genome position (GRCh38, 1-based): chr9:95,459,637, G>A on the plus strand (C>T on the coding strand, the complement: PTCH1 is on the minus strand). VCF-style: chr9-95459637-G-A. GRCh37 (hg19) VCF-style: chr9-98221919-G-A.
Other names: c.2652C>T, p.His884= (NM_001083602.3); c.2847C>T, p.His949= (NM_001083603.3); c.2397C>T, p.His799= (NM_001083604.3, NM_001083605.3, NM_001083606.3 and 1 more transcripts); c.2694C>T, p.His898= (NM_001354918.2).
Identifiers: ClinVar variation 698311 (VCV000698311.17), dbSNP rs200776583, ClinGen allele CA5138316.